The following is an entry in ClinVar:

NM_003743.5(NCOA1):c.3090T>G (p.Gly1030=)

Gene: NCOA1 (nuclear receptor coactivator 1; plus strand). Cytogenetic location: 2p23.3.
Variant type: single nucleotide variant.
Coding change: c.3090T>G on transcript NM_003743.5 (MANE Select); coding-DNA position 3090, T replaced by G.
Protein change: p.Gly1030=; no amino-acid change (glycine 1030 retained).
Molecular consequence: synonymous variant.
Genome position (GRCh38, 1-based): chr2:24,729,704, T>G. VCF-style: chr2-24729704-T-G. GRCh37 (hg19) VCF-style: chr2-24952573-T-G.
Other names: c.3090T>G, p.Gly1030= (NM_001362950.1, NM_001362952.1, NM_001362954.1 and 3 more transcripts).
Identifiers: ClinVar variation 3352258 (VCV003352258.1).
Genomic context (GRCh38, chr2:24,729,704, plus strand): 5'-CATGGTCAGGCAAAAACCTTCACTGGGGACGATGCCTGTTCAAGTAACACCTCCCCGAGG[T>G]GCTTTTTCACCTGGCATGGGCATGCAGCCCAGGCAAACTCTAAACAGACCTCCGGCTGCA-3'
Protein context (NP_003734.3, residues 1020-1040): TMPVQVTPPR[Gly1030=]AFSPGMGMQP

ClinVar aggregate classification (germline): Likely benign (0 of 4 stars; one submission).

Conditions:
NCOA1-related disorder. Also called: NCOA1-related condition.

gnomAD v4.1: 12 of 1,614,148 alleles (0.00074%); highest among the groups gnomAD compares: African/African-American, 0.015%; no homozygotes.

Submission:

PreventionGenetics, part of Exact Sciences
Classification: Likely benign for NCOA1-related condition. Last evaluated: 2023-10-23. Review status: no assertion criteria provided. Collection method: clinical testing. Allele origin: germline.
Comment: This variant is classified as likely benign based on ACMG/AMP sequence variant interpretation guidelines (Richards et al. 2015 PMID: 25741868, with internal and published modifications).